The following is an entry in ClinVar:

ClinVar aggregate classification (germline): Uncertain significance. Review status: criteria provided, single submitter (1 of 4 stars). 3 submissions from 3 submitters: Uncertain significance (1). 2 of the submissions do not count toward it. Last evaluated 2025-12-19.

Conditions:
Facioscapulohumeral muscular dystrophy 2 (FSHD2). Also called: FACIOSCAPULOHUMERAL MUSCULAR DYSTROPHY 2, DIGENIC; FSHD2, DIGENIC; MUSCULAR DYSTROPHY, FACIOSCAPULOHUMERAL, TYPE 1B. Identifiers: Orphanet 269, MedGen C1834671, MONDO:0008031, OMIM 158901.
SMCHD1-related disorder. Also called: SMCHD1-related condition.

Allele frequency attached by ClinVar (database versions not stated): ExAC 0.00001.
gnomAD v4.1: 9 of 1,482,696 alleles (0.00061%); highest among the groups gnomAD compares: Middle Eastern, 0.036%; no homozygotes.

Submissions (3):

Labcorp Genetics (formerly Invitae), Labcorp
Classification: Uncertain significance for Facioscapulohumeral muscular dystrophy 2. Last evaluated: 2025-12-19. Review status: criteria provided, single submitter. Criteria: Invitae Variant Classification Sherloc (09022015). Collection method: clinical testing. Allele origin: germline.
Comment: This sequence change falls in intron 1 of the SMCHD1 gene. It does not directly change the encoded amino acid sequence of the SMCHD1 protein. It affects a nucleotide within the consensus splice site. The frequency data for this variant in the population databases is considered unreliable, as metrics indicate poor data quality at this position in the gnomAD database. This variant has not been reported in the literature in individuals affected with SMCHD1-related conditions. ClinVar contains an entry for this variant (Variation ID: 2145892). Variants that disrupt the consensus splice site are a relatively common cause of aberrant splicing (PMID: 17576681, 9536098). Algorithms developed to predict the effect of sequence changes on RNA splicing suggest that this variant is not likely to affect RNA splicing. In summary, the available evidence is currently insufficient to determine the role of this variant in disease. Therefore, it has been classified as a Variant of Uncertain Significance.

PreventionGenetics, part of Exact Sciences
Classification: Likely benign for SMCHD1-related condition. Last evaluated: 2019-06-13. Review status: no assertion criteria provided. Collection method: clinical testing. Allele origin: germline. Not counted in ClinVar's aggregate classification.
Comment: This variant is classified as likely benign based on ACMG/AMP sequence variant interpretation guidelines (Richards et al. 2015 PMID: 25741868, with internal and published modifications).

Institute of Human Genetics, University of Wuerzburg
Classification: Likely benign for Facioscapulohumeral muscular dystrophy 2. Review status: no assertion criteria provided. Collection method: clinical testing. Allele origin: unknown. Affected: yes. Observed: 1 variant allele. Not counted in ClinVar's aggregate classification.

Literature cited by the submitters: PubMed 17576681 (cited by Labcorp Genetics (formerly Invitae), Labcorp); PubMed 9536098 (cited by Labcorp Genetics (formerly Invitae), Labcorp).

NM_015295.3(SMCHD1):c.186+6C>G

Genes: SMCHD1 (structural maintenance of chromosomes flexible hinge domain containing 1; plus strand), LOC130062084 (ATAC-STARR-seq lymphoblastoid silent region 9247; plus strand). Cytogenetic location: 18p11.32.
Variant type: single nucleotide variant.
Coding change: c.186+6C>G on transcript NM_015295.3 (MANE Select); 6 bases into the intron after coding-DNA position 186, C replaced by G.
Molecular consequence: intron variant.
Genome position (GRCh38, 1-based): chr18:2,656,267, C>G. VCF-style: chr18-2656267-C-G. GRCh37 (hg19) VCF-style: chr18-2656266-C-G.
Other names: c.186+6C>G (NM_015295.2).
Identifiers: ClinVar variation 2145892 (VCV002145892.7), dbSNP rs773843369, ClinGen allele CA8870476.